The following is an entry in ClinVar:

ClinVar aggregate classification (germline): Uncertain significance (1 of 4 stars; one submission).

Conditions:
Menkes kinky-hair syndrome (MNK). Also called: Copper transport disease; Menkes Disease; Classic Menkes Disease. Identifiers: Orphanet 565, MedGen C0022716, MONDO:0010651, OMIM 309400.
Cutis laxa, X-linked (OHS). Also called: EDS IX; Occipital horn syndrome. Identifiers: Orphanet 198, MedGen C0268353, MONDO:0010572, OMIM 304150.
X-linked distal spinal muscular atrophy type 3. Also called: ATP7A-Related Distal Motor Neuropathy; SPINAL MUSCULAR ATROPHY, DISTAL, X-LINKED RECESSIVE; NEURONOPATHY, DISTAL HEREDITARY MOTOR, X-LINKED; NEUROPATHY, DISTAL HEREDITARY MOTOR, X-LINKED. Identifiers: Orphanet 139557, MedGen C1845359, MONDO:0010338, OMIM 300489.

Submission:

Labcorp Genetics (formerly Invitae), Labcorp
Classification: Uncertain significance for X-linked distal spinal muscular atrophy type 3; Cutis laxa, X-linked; Menkes kinky-hair syndrome. Last evaluated: 2023-09-03. Review status: criteria provided, single submitter. Criteria: Invitae Variant Classification Sherloc (09022015). Collection method: clinical testing. Allele origin: germline.
Comment: In summary, the available evidence is currently insufficient to determine the role of this variant in disease. Therefore, it has been classified as a Variant of Uncertain Significance. Advanced modeling of protein sequence and biophysical properties (such as structural, functional, and spatial information, amino acid conservation, physicochemical variation, residue mobility, and thermodynamic stability) performed at Invitae indicates that this missense variant is not expected to disrupt ATP7A protein function. ClinVar contains an entry for this variant (Variation ID: 2012546). This variant has not been reported in the literature in individuals affected with ATP7A-related conditions. This variant is not present in population databases (gnomAD no frequency). This sequence change replaces isoleucine, which is neutral and non-polar, with valine, which is neutral and non-polar, at codon 118 of the ATP7A protein (p.Ile118Val).

NM_000052.7(ATP7A):c.352A>G (p.Ile118Val)

Gene: ATP7A (ATPase copper transporting alpha; plus strand). Cytogenetic location: Xq21.1.
Variant type: single nucleotide variant.
Coding change: c.352A>G on transcript NM_000052.7 (MANE Select); coding-DNA position 352, A replaced by G.
Protein change: p.Ile118Val; replaces isoleucine 118 with valine.
Molecular consequence: missense variant.
Genome position (GRCh38, 1-based): chrX:77,988,473, A>G. VCF-style: chrX-77988473-A-G. GRCh37 (hg19) VCF-style: chrX-77243969-A-G.
Other names: c.352A>G, p.Ile118Val (NM_001282224.2); short protein forms I118V.
Identifiers: ClinVar variation 2012546 (VCV002012546.4), dbSNP rs2522289690, ClinGen allele CA413599550.